The following is an entry in ClinVar:

ClinVar aggregate classification (germline): Uncertain significance (1 of 4 stars; one submission).

Submission:

GeneDx
Classification: Uncertain significance. Last evaluated: 2025-05-27. Review status: criteria provided, single submitter. Criteria: GeneDx Variant Classification Process June 2021. Collection method: clinical testing. Allele origin: germline. Affected: yes.
Comment: Not observed at significant frequency in large population cohorts (gnomAD); In silico analysis supports that this missense variant has a deleterious effect on protein structure/function; Has not been previously published as pathogenic or benign to our knowledge

NM_000202.8(IDS):c.1397A>G (p.Tyr466Cys)

Gene: IDS (iduronate 2-sulfatase; minus strand). Cytogenetic location: Xq28.
Variant type: single nucleotide variant.
Coding change: c.1397A>G on transcript NM_000202.8 (MANE Select); coding-DNA position 1397, A replaced by G.
Protein change: p.Tyr466Cys; replaces tyrosine 466 with cysteine.
Molecular consequence: missense variant.
Genome position (GRCh38, 1-based): chrX:149,483,002, T>C on the plus strand (A>G on the coding strand, the complement: IDS is on the minus strand). VCF-style: chrX-149483002-T-C. GRCh37 (hg19) VCF-style: chrX-148564533-T-C.
Other names: c.1127A>G, p.Tyr376Cys (NM_001166550.4); short protein forms Y466C, Y376C.
Identifiers: ClinVar variation 3781150 (VCV003781150.2).